The following is an entry in ClinVar:

NM_014714.4(IFT140):c.4323dup (p.Asn1442fs)

Gene: IFT140 (intraflagellar transport 140; minus strand). Cytogenetic location: 16p13.3.
Variant type: Duplication.
Coding change: c.4323dup on transcript NM_014714.4 (MANE Select); coding-DNA position 4323, one base duplicated (C; older notation c.4323dupC).
Protein change: p.Asn1442fs; shifts the reading frame from asparagine 1442.
Molecular consequence: frameshift variant.
Genome position (GRCh38, 1-based): chr16:1,511,010, G duplicated on the plus strand (C on the coding strand, the reverse complement: IFT140 is on the minus strand). VCF-style (leftmost placement, unchanged base first): chr16-1511009-T-TG. GRCh37 (hg19) VCF-style: chr16-1561010-T-TG.
Other names: c.4323dupC (NM_014714.4); short protein forms N1442fs.
Identifiers: ClinVar variation 1690563 (VCV001690563.3), dbSNP rs2141088947, ClinGen allele CA2573151741.
Genomic context (GRCh38, chr16:1,511,009, plus strand): 5'-GGTCGTCATCTGCCTCTTCCACCACCTCCTCGTCCAGCTCCCTGGCGTCCTCCATGCTGT[T>TG]GTGGCGGACCTGCTCGGGGACGGTGCGTGGCAGTGGGAGACCCAGCCCCCGGTGCACGGC-3'

ClinVar aggregate classification (germline): Conflicting classifications of pathogenicity. Review status: criteria provided, conflicting classifications (1 of 4 stars). 2 submissions from 2 submitters: Likely pathogenic (1); Uncertain significance (1). Last evaluated 2024-04-04.

Conditions:
Retinitis pigmentosa 80 (RP80). Identifiers: MedGen C4540439, MONDO:0054708, OMIM 617781.
Saldino-Mainzer syndrome (SRTD9). Also called: CONORENAL SYNDROME; short-rib thoracic dysplasia 9 with or without polydactyly; Renal dysplasia, retinal pigmentary dystrophy, cerebellar ataxia and skeletal dysplasia; SHORT-RIB THORACIC DYSPLASIA 9 WITHOUT POLYDACTYLY. Identifiers: Orphanet 140969, MedGen C1849437, MONDO:0009964, OMIM 266920.

Submissions (2):

Fulgent Genetics
Classification: Uncertain significance for Saldino-Mainzer syndrome; Retinitis pigmentosa 80. Last evaluated: 2024-04-04. Review status: criteria provided, single submitter. Criteria: ACMG Guidelines, 2015. Collection method: clinical testing. Allele origin: germline.

Laboratorio de Genetica e Diagnostico Molecular, Hospital Israelita Albert Einstein
Classification: Likely pathogenic. Last evaluated: 2022-02-08. Review status: criteria provided, single submitter. Criteria: ACMG Guidelines, 2015. Collection method: clinical testing. Allele origin: germline. Affected: yes.
Comment: ACMG classification criteria: PVS1, PM2